The following is an entry in ClinVar:

NM_033118.4(MYLK2):c.550A>G (p.Ser184Gly)

Gene: MYLK2 (myosin light chain kinase 2; plus strand). Cytogenetic location: 20q11.21.
Variant type: single nucleotide variant.
Coding change: c.550A>G on transcript NM_033118.4 (MANE Select); coding-DNA position 550, A replaced by G.
Protein change: p.Ser184Gly; replaces serine 184 with glycine.
Molecular consequence: missense variant.
Genome position (GRCh38, 1-based): chr20:31,821,515, A>G. VCF-style: chr20-31821515-A-G. GRCh37 (hg19) VCF-style: chr20-30409318-A-G.
Other names: short protein forms S184G.
Identifiers: ClinVar variation 2917663 (VCV002917663.3), dbSNP rs2515452350, ClinGen allele CA408525850.
Genomic context (GRCh38, chr20:31,821,515, plus strand): 5'-GCCAAGAAGCCCCCAAGCGAGGCATCAGAGCTCACCTTTGAAGGGGTGCCCATGACCCAC[A>G]GCCCCACGGATCCCAGGCCAGCCAAGGCAGAAGAAGGAAAGAACATCCTGGCAGAGAGCC-3'
Protein context (NP_149109.1, residues 174-194): LTFEGVPMTH[Ser184Gly]PTDPRPAKAE

ClinVar aggregate classification (germline): Uncertain significance (1 of 4 stars; one submission).

Conditions:
Hypertrophic cardiomyopathy 1 (CMH1). Also called: Familial hypertrophic cardiomyopathy 1; MYH7-Related Familial Hypertrophic Cardiomyopathy. Identifiers: MedGen C3495498, MONDO:0008647, OMIM 192600.

Submission:

Labcorp Genetics (formerly Invitae), Labcorp
Classification: Uncertain significance for Hypertrophic cardiomyopathy 1. Last evaluated: 2024-01-01. Review status: criteria provided, single submitter. Criteria: Invitae Variant Classification Sherloc (09022015). Collection method: clinical testing. Allele origin: germline.
Comment: This sequence change replaces serine, which is neutral and polar, with glycine, which is neutral and non-polar, at codon 184 of the MYLK2 protein (p.Ser184Gly). This variant is not present in population databases (gnomAD no frequency). This variant has not been reported in the literature in individuals affected with MYLK2-related conditions. Advanced modeling of protein sequence and biophysical properties (such as structural, functional, and spatial information, amino acid conservation, physicochemical variation, residue mobility, and thermodynamic stability) performed at Invitae indicates that this missense variant is not expected to disrupt MYLK2 protein function with a negative predictive value of 80%. In summary, the available evidence is currently insufficient to determine the role of this variant in disease. Therefore, it has been classified as a Variant of Uncertain Significance.